The following is an entry in ClinVar:

ClinVar aggregate classification (germline): Uncertain significance (1 of 4 stars; one submission).

Conditions:
Neuromuscular disease caused by qualitative or quantitative defects of dysferlin. Also called: Dysferlinopathy; Qualitative or quantitative defects of dysferlin. Identifiers: Orphanet 207073, MedGen C2931687, MONDO:0016145.

Submission:

Labcorp Genetics (formerly Invitae), Labcorp
Classification: Uncertain significance for Neuromuscular disease caused by qualitative or quantitative defects of dysferlin. Last evaluated: 2020-12-03. Review status: criteria provided, single submitter. Criteria: Invitae Variant Classification Sherloc (09022015). Collection method: clinical testing. Allele origin: germline.
Comment: In summary, the available evidence is currently insufficient to determine the role of this variant in disease. Therefore, it has been classified as a Variant of Uncertain Significance. Nucleotide substitutions within the consensus splice site are a relatively common cause of aberrant splicing (PMID: 17576681, 9536098). Algorithms developed to predict the effect of sequence changes on RNA splicing suggest that this variant may disrupt the consensus splice site, but this prediction has not been confirmed by published transcriptional studies. This variant has not been reported in the literature in individuals with DYSF-related conditions. This variant is not present in population databases (ExAC no frequency). This sequence change falls in intron 33 of the DYSF gene. It does not directly change the encoded amino acid sequence of the DYSF protein, but it affects a nucleotide within the consensus splice site of the intron.

Literature cited by the submitters: PubMed 17576681; PubMed 9536098.

NM_001130987.2(DYSF):c.3756+5G>A

Gene: DYSF (dysferlin; plus strand). Cytogenetic location: 2p13.2.
Variant type: single nucleotide variant.
Coding change: c.3756+5G>A on transcript NM_001130987.2 (MANE Select); 5 bases into the intron after coding-DNA position 3756, G replaced by A.
Molecular consequence: intron variant.
Genome position (GRCh38, 1-based): chr2:71,598,750, G>A. VCF-style: chr2-71598750-G-A. GRCh37 (hg19) VCF-style: chr2-71825880-G-A.
Other names: c.3795+5G>A (NM_001130979.2); c.3753+5G>A (NM_001130981.2, NM_001130980.2); c.3702+5G>A (NM_001130978.2, NM_003494.4); c.3660+5G>A (NM_001130977.2, NM_001130976.2); c.3798+5G>A (NM_001130982.2); c.3756+5G>A (NM_001130985.2); c.3705+5G>A (NM_001130983.2, NM_001130455.2); c.3663+5G>A (NM_001130984.2, NM_001130986.2).
Identifiers: ClinVar variation 1043646 (VCV001043646.8), dbSNP rs2093467146, ClinGen allele CA1260118392.